The following is an entry in ClinVar:

NM_001042492.3(NF1):c.179_180dup (p.Ile61fs)

Gene: NF1 (neurofibromin 1; plus strand). Cytogenetic location: 17q11.2.
Variant type: Duplication.
Coding change: c.179_180dup on transcript NM_001042492.3 (MANE Select); coding-DNA positions 179 to 180, 2 bases duplicated (CT; older notation c.179_180dupCT).
Protein change: p.Ile61fs; shifts the reading frame from isoleucine 61.
Molecular consequence: frameshift variant.
Genome position (GRCh38, 1-based): chr17:31,156,101-31,156,102, CT duplicated. VCF-style (leftmost placement, unchanged base first): chr17-31156100-A-ACT. GRCh37 (hg19) VCF-style: chr17-29483118-A-ACT.
Other names: c.179_180dup, p.Ile61Leufs (NM_000267.4); c.179_180dup, p.Ile61fs (NM_001128147.3); short protein forms I61fs.
Identifiers: ClinVar variation 3728602 (VCV003728602.2).

ClinVar aggregate classification (germline): Pathogenic (1 of 4 stars; one submission).

Conditions:
Neurofibromatosis, type 1 (NF1). Also called: NEUROFIBROMATOSIS, TYPE I, SOMATIC; Peripheral type neurofibromatosis; Neurofibromatosis, type I; VON RECKLINGHAUSEN DISEASE. Identifiers: Orphanet 636, MedGen C0027831, MONDO:0018975, OMIM 162200. Disease mechanism: loss of function.

Submission:

Labcorp Genetics (formerly Invitae), Labcorp
Classification: Pathogenic for Neurofibromatosis, type 1. Last evaluated: 2025-01-07. Review status: criteria provided, single submitter. Criteria: Invitae Variant Classification Sherloc (09022015). Collection method: clinical testing. Allele origin: germline.
Comment: This sequence change creates a premature translational stop signal (p.Ile61Leufs*3) in the NF1 gene. It is expected to result in an absent or disrupted protein product. Loss-of-function variants in NF1 are known to be pathogenic (PMID: 10712197, 23913538). This variant is not present in population databases (gnomAD no frequency). This variant has not been reported in the literature in individuals affected with NF1-related conditions. For these reasons, this variant has been classified as Pathogenic.

Literature cited by the submitters: PubMed 10712197; PubMed 23913538.